The following is an entry in ClinVar:

ClinVar aggregate classification (germline): Conflicting classifications of pathogenicity. Review status: criteria provided, conflicting classifications (1 of 4 stars). 2 submissions from 2 submitters: Uncertain significance (1); Likely benign (1). Last evaluated 2026-06-22.

Conditions:
Cardiovascular phenotype. Identifiers: MedGen CN230736.
Arrhythmogenic right ventricular dysplasia 9 (ARVD9). Also called: Arrhythmogenic Right Ventricular Dysplasia/Cardiomyopathy 9; ARRHYTHMOGENIC RIGHT VENTRICULAR DYSPLASIA, FAMILIAL, 9. Identifiers: MedGen C1836906, MONDO:0012180, OMIM 609040.

gnomAD v4.1: 2 of 1,610,284 alleles (0.00012%); highest among the groups gnomAD compares: East Asian, 0.0022%; no homozygotes.

Submissions (2):

Ambry Genetics
Classification: Likely benign for Cardiovascular phenotype. Last evaluated: 2026-06-22. Review status: criteria provided, single submitter. Criteria: Ambry Variant Classification Scheme 2023. Collection method: clinical testing. Allele origin: germline.

Labcorp Genetics (formerly Invitae), Labcorp
Classification: Uncertain significance for Arrhythmogenic right ventricular dysplasia 9. Last evaluated: 2023-12-06. Review status: criteria provided, single submitter. Criteria: Invitae Variant Classification Sherloc (09022015). Collection method: clinical testing. Allele origin: germline.
Comment: This sequence change replaces lysine, which is basic and polar, with arginine, which is basic and polar, at codon 768 of the PKP2 protein (p.Lys768Arg). This variant is not present in population databases (gnomAD no frequency). This variant has not been reported in the literature in individuals affected with PKP2-related conditions. ClinVar contains an entry for this variant (Variation ID: 1789317). Algorithms developed to predict the effect of missense changes on protein structure and function output the following: SIFT: "Not Available"; PolyPhen-2: "Benign"; Align-GVGD: "Not Available". The arginine amino acid residue is found in multiple mammalian species, which suggests that this missense change does not adversely affect protein function. In summary, the available evidence is currently insufficient to determine the role of this variant in disease. Therefore, it has been classified as a Variant of Uncertain Significance.

NM_001005242.3(PKP2):c.2171A>G (p.Lys724Arg)

Gene: PKP2 (plakophilin 2; minus strand). Cytogenetic location: 12p11.21.
Variant type: single nucleotide variant.
Coding change: c.2171A>G on transcript NM_001005242.3 (MANE Select); coding-DNA position 2171, A replaced by G.
Protein change: p.Lys724Arg; replaces lysine 724 with arginine.
Molecular consequence: missense variant.
Genome position (GRCh38, 1-based): chr12:32,796,295, T>C on the plus strand (A>G on the coding strand, the complement: PKP2 is on the minus strand). VCF-style: chr12-32796295-T-C. GRCh37 (hg19) VCF-style: chr12-32949229-T-C.
Other names: c.2006A>G, p.Lys669Arg (NM_001407156.1); c.1844A>G, p.Lys615Arg (NM_001407158.1, NM_001407159.1); c.2303A>G, p.Lys768Arg (NM_004572.4); short protein forms K615R, K669R, K768R, K724R.
Identifiers: ClinVar variation 1789317 (VCV001789317.6), dbSNP rs201487421, ClinGen allele CA235218184.
Genomic context (GRCh38, chr12:32,796,295, plus strand): 5'-AGAAGGTCAGTACTCGGGACTGTGTCAGGAATGATGGAAACCAAATCAGGGAGAGTTTCT[T>C]TGGCTACAAAATGAAAAAAAAAACAAAACACTTGATTAAAAAGATTGTTTCTTAATCCCA-3'
Protein context (NP_001005242.2, residues 714-734): RNLSLQNEIA[Lys724Arg]ETLPDLVSII